The following is an entry in ClinVar:

ClinVar aggregate classification (germline): Uncertain significance (1 of 4 stars; one submission).

Allele frequency attached by ClinVar (database versions not stated): gnomAD exomes below 0.00001.
gnomAD v4.1: 6 of 1,468,020 alleles (0.00041%); highest among the groups gnomAD compares: Non-Finnish European, 0.00054%; no homozygotes.

Submission:

Women's Health and Genetics/Laboratory Corporation of America, LabCorp
Classification: Uncertain significance. Last evaluated: 2023-10-24. Review status: criteria provided, single submitter. Criteria: LabCorp Variant Classification Summary - May 2015. Collection method: clinical testing. Allele origin: germline.
Comment: Variant summary: APC2 c.4163C>T (p.Ser1388Phe) results in a non-conservative amino acid change in the encoded protein sequence. Five of five in-silico tools predict a damaging effect of the variant on protein function. The variant allele was found at a frequency of 1.2e-05 in 81486 control chromosomes. The available data on variant occurrences in the general population are insufficient to allow any conclusion about variant significance. To our knowledge, no occurrence of c.4163C>T in individuals affected with APC2-Related Disorders and no experimental evidence demonstrating its impact on protein function have been reported. No submitters have cited clinical-significance assessments for this variant to ClinVar after 2014. Based on the evidence outlined above, the variant was classified as uncertain significance.

NM_005883.3(APC2):c.4163C>T (p.Ser1388Phe)

Gene: APC2 (APC regulator of WNT signaling pathway 2; plus strand). Cytogenetic location: 19p13.3.
Variant type: single nucleotide variant.
Coding change: c.4163C>T on transcript NM_005883.3 (MANE Select); coding-DNA position 4163, C replaced by T.
Protein change: p.Ser1388Phe; replaces serine 1388 with phenylalanine.
Molecular consequence: missense variant.
Genome position (GRCh38, 1-based): chr19:1,467,464, C>T. VCF-style: chr19-1467464-C-T. GRCh37 (hg19) VCF-style: chr19-1467463-C-T.
Other names: c.4160C>T, p.Ser1387Phe (NM_001351273.1); short protein forms S1387F, S1388F.
Identifiers: ClinVar variation 2637440 (VCV002637440.1), dbSNP rs1246391018, ClinGen allele CA403034557.
Genomic context (GRCh38, chr19:1,467,464, plus strand): 5'-CACTCCCCGTGCCCGTCTACATGTTGGTGCCCGCCCCGGCCCCGGCCCAGGAGGACGACT[C>T]CTGCACTGACTCCGCGGAGGGCACGCCGGTCAACTTCTCTAGCGCCGCCTCGCTCAGCGA-3'
Protein context (NP_005874.1, residues 1378-1398): PAPAPAQEDD[Ser1388Phe]CTDSAEGTPV